The following is an entry in ClinVar:

ClinVar aggregate classification (germline): Likely benign. Review status: reviewed by expert panel (3 of 4 stars). 21 submissions from 21 submitters: Likely benign (1). 20 of the submissions do not count toward it. Last evaluated 2017-06-29.

Conditions:
BRCA2-related disorder. Also called: BRCA2-related disorders; BRCA2-related condition. Identifiers: MedGen CN239275.
Breast and/or ovarian cancer. Identifiers: MedGen CN221562.
Hereditary cancer-predisposing syndrome. Also called: Tumor predisposition; Neoplastic Syndromes, Hereditary; Hereditary neoplastic syndrome; Hereditary Cancer Syndrome. Identifiers: Orphanet 140162, MedGen C0027672, MeSH D009386, MONDO:0015356.
Hereditary breast ovarian cancer syndrome. Also called: Hereditary breast and ovarian cancer; BRCA1- and BRCA2-Associated Hereditary Breast and Ovarian Cancer; Breast and ovarian cancer; Hereditary breast and/or ovarian cancer syndrome; Hereditary breast and ovarian cancer syndrome; Hereditary breast and ovarian cancer syndrome (HBOC). Identifiers: Orphanet 145, MedGen C0677776, MeSH D061325, MONDO:0003582. Disease mechanism: loss of function.
Breast-ovarian cancer, familial, susceptibility to, 2 (BROVCA2). Also called: BRCA2 Hereditary Breast and Ovarian Cancer. Identifiers: Orphanet 145, MedGen C2675520, MONDO:0012933, OMIM 612555. Disease mechanism: loss of function.
Familial cancer of breast. Also called: hereditary breast carcinoma; BREAST CANCER, FAMILIAL; Hereditary breast cancer. Identifiers: Orphanet 227535, MedGen C0346153, MONDO:0016419, OMIM 114480. Disease mechanism: loss of function.
Malignant tumor of breast. Also called: Malignant breast neoplasm; Cancer breast. Identifiers: MedGen C0006142, MONDO:0007254. Disease mechanism: loss of function.

Allele frequency attached by ClinVar (database versions not stated): gnomAD 0.00005; ESP Exome Variant Server 0.00008; 1000 Genomes Project 30x 0.00031; ExAC 0.00002; TOPMed 0.00002; gnomAD exomes 0.00003.
gnomAD v4.1: 51 of 1,613,970 alleles (0.0032%); highest among the groups gnomAD compares: Non-Finnish European, 0.0035%; no homozygotes.

Submissions (21):

Evidence-based Network for the Interpretation of Germline Mutant Alleles (ENIGMA)
Classification: Likely benign for Breast-ovarian cancer, familial, susceptibility to, 2. Last evaluated: 2017-06-29. Review status: reviewed by expert panel. Criteria: ENIGMA BRCA1/2 Classification Criteria (2017-06-29). Collection method: curation. Allele origin: germline.
Comment: Synonymous substitution variant, with low bioinformatic likelihood to result in a splicing aberration (Splicing prior probability 0.02).

Labcorp Genetics (formerly Invitae), Labcorp
Classification: Benign for Hereditary breast ovarian cancer syndrome. Last evaluated: 2026-01-31. Review status: criteria provided, single submitter. Criteria: Invitae Variant Classification Sherloc (09022015). Collection method: clinical testing. Allele origin: germline. Not counted in ClinVar's aggregate classification.

Center for Genomic Medicine, Rigshospitalet, Copenhagen University Hospital
Classification: Likely benign. Last evaluated: 2025-03-04. Review status: criteria provided, single submitter. Criteria: ACMG Guidelines, 2015. Collection method: clinical testing. Allele origin: germline. Not counted in ClinVar's aggregate classification.

KCCC/NGS Laboratory, Kuwait Cancer Control Center
Classification: Benign for Familial cancer of breast. Last evaluated: 2025-02-01. Review status: criteria provided, single submitter. Criteria: ACMG Guidelines, 2015. Collection method: clinical testing. Allele origin: germline. Affected: no. Not counted in ClinVar's aggregate classification.

Blueprint Genetics
Classification: Likely benign. Last evaluated: 2024-09-03. Review status: criteria provided, single submitter. Criteria: ACMG Guidelines, 2015. Collection method: clinical testing. Allele origin: germline. Not counted in ClinVar's aggregate classification.

Sema4
Classification: Likely benign for Hereditary cancer-predisposing syndrome. Last evaluated: 2022-02-10. Review status: criteria provided, single submitter. Criteria: Sema4 Curation Guidelines. Collection method: curation. Allele origin: germline. Not counted in ClinVar's aggregate classification.

National Health Laboratory Service, Universitas Academic Hospital and University of the Free State
Classification: Likely benign for Hereditary breast ovarian cancer syndrome. Last evaluated: 2021-11-16. Review status: criteria provided, single submitter. Criteria: ACMG Guidelines, 2015. Collection method: clinical testing. Allele origin: germline. Affected: yes. Observed: 1 variant allele. Not counted in ClinVar's aggregate classification.

GeneDx
Classification: Likely benign. Last evaluated: 2021-05-18. Review status: criteria provided, single submitter. Criteria: GeneDx Variant Classification Process June 2021. Collection method: clinical testing. Allele origin: germline. Affected: yes. Not counted in ClinVar's aggregate classification.
Comment: This variant is associated with the following publications: (PMID: 21120943, 22711857, 25415225, 30287823)

Women's Health and Genetics/Laboratory Corporation of America, LabCorp
Classification: Likely benign. Last evaluated: 2019-11-25. Review status: criteria provided, single submitter. Criteria: LabCorp Variant Classification Summary - May 2015. Collection method: clinical testing. Allele origin: germline. Not counted in ClinVar's aggregate classification.

Genetic Services Laboratory, University of Chicago
Classification: Likely benign. Last evaluated: 2019-10-24. Review status: criteria provided, single submitter. Criteria: ACMG Guidelines, 2015. Collection method: clinical testing. Allele origin: germline. Affected: no. Not counted in ClinVar's aggregate classification.

ARUP Laboratories, Molecular Genetics and Genomics, ARUP Laboratories
Classification: Likely benign. Last evaluated: 2018-09-18. Review status: criteria provided, single submitter. Criteria: ARUP Molecular Germline Variant Investigation Process. Collection method: clinical testing. Allele origin: germline. Not counted in ClinVar's aggregate classification.

Quest Diagnostics Nichols Institute San Juan Capistrano
Classification: Likely benign. Last evaluated: 2018-07-25. Review status: criteria provided, single submitter. Criteria: Quest Diagnostics criteria. Collection method: clinical testing. Allele origin: germline. Not counted in ClinVar's aggregate classification.

Baylor Genetics
Classification: Benign for Familial cancer of breast. Last evaluated: 2017-02-23. Review status: criteria provided, single submitter. Criteria: ACMG Guidelines, 2015. Collection method: clinical testing. Allele origin: germline. Inheritance: Autosomal dominant inheritance. Affected: no. Not counted in ClinVar's aggregate classification.

Color Diagnostics, LLC DBA Color Health
Classification: Likely benign for Hereditary cancer-predisposing syndrome. Last evaluated: 2016-10-13. Review status: criteria provided, single submitter. Criteria: ACMG Guidelines, 2015. Collection method: clinical testing. Allele origin: germline. Not counted in ClinVar's aggregate classification.

Molecular Genetics Laboratory, University of Michigan
Classification: Uncertain significance for Breast-ovarian cancer, familial, susceptibility to, 2. Last evaluated: 2014-11-03. Review status: criteria provided, single submitter. Criteria: ACMG Guidelines, 2015. Collection method: clinical testing. Allele origin: germline. Affected: yes. Not counted in ClinVar's aggregate classification.

Ambry Genetics
Classification: Likely benign for Hereditary cancer-predisposing syndrome. Last evaluated: 2014-10-23. Review status: criteria provided, single submitter. Criteria: Ambry Variant Classification Scheme 2023. Collection method: clinical testing. Allele origin: germline. Not counted in ClinVar's aggregate classification.

PreventionGenetics, part of Exact Sciences
Classification: Likely benign for BRCA2-related condition. Last evaluated: 2019-10-22. Review status: no assertion criteria provided. Collection method: clinical testing. Allele origin: germline. Not counted in ClinVar's aggregate classification.
Comment: This variant is classified as likely benign based on ACMG/AMP sequence variant interpretation guidelines (Richards et al. 2015 PMID: 25741868, with internal and published modifications).

Foulkes Cancer Genetics LDI, Lady Davis Institute for Medical Research
Classification: Likely benign for Breast and/or ovarian cancer. Last evaluated: 2013-04-19. Review status: no assertion criteria provided. Collection method: clinical testing. Allele origin: germline. Study: The Canadian Open Genetics Repository (COGR). Not counted in ClinVar's aggregate classification.

Clinical Genetics DNA and cytogenetics Diagnostics Lab, Erasmus MC, Erasmus Medical Center
Classification: Likely benign. Review status: no assertion criteria provided. Collection method: clinical testing. Allele origin: germline. Affected: yes. Study: VKGL Data-share Consensus. Not counted in ClinVar's aggregate classification.

Department of Pathology and Laboratory Medicine, Sinai Health System
Classification: Likely benign for Malignant tumor of breast. Review status: no assertion criteria provided. Collection method: clinical testing. Allele origin: unknown. Affected: yes. Observed: 2 variant alleles. Study: The Canadian Open Genetics Repository (COGR). Not counted in ClinVar's aggregate classification.
Comment: The BRCA2 p.Asn1995Asn variant was identified in 2 of 5052 proband chromosomes (frequency: 0.0004) from individuals or families with breast and ovarian cancer (Alsop 2012, Caux-Moncoutier 2011). The variant was also identified in dbSNP (ID: rs374620036) â€šÃ„ÃºWith Likely benign alleleâ€šÃ„Ã¹, NHLBI Exome Sequencing Project (Exome Variant Server), Exome Aggregation Consortium (ExAC) database, Clinvitae database (X1), COSMIC, the ClinVar database (classified as a likely benign variant by the Ambry Genetics), GeneInsight COGR database (1X, classified as â€šÃ„Ãºlikely benignâ€šÃ„Ã¹ by a clinical laboratory), and UMD (3X as a UV variant). This variant was identified in the Exome Variant Server project in 1 of 8596 European American alleles, the Exome Aggregation Consortium (ExAC) database (released Jan 13, 2015) in 2 of 82920 chromosomes (2 individuals) from a population of European (Non-Finnish /South Asian individuals, although this low number of observations and low frequency is not substantive enough to determine the prevalence of the variant in the general population and its relationship to disease. The p.Asn1995Asn variant is not expected to have clinical significance because it does not result in a change of amino acid and is not located in a known consensus splice site. In addition, in silico or computational prediction software programs (SpliceSiteFinder, MaxEntScan, NNSPLICE, GeneSplicer, HumanSpliceFinder) do not predict a difference in splicing. In summary, based on the above information, the clinical significance of this variant cannot be determined with certainty at this time although we would lean towards a more benign role for this variant. This variant is classified as predicted benign.

Joint Genome Diagnostic Labs from Nijmegen and Maastricht, Radboudumc and MUMC+
Classification: Likely benign. Review status: no assertion criteria provided. Collection method: clinical testing. Allele origin: germline. Affected: yes. Study: VKGL Data-share Consensus. Not counted in ClinVar's aggregate classification.

Literature cited by the submitters: DOI 10.3389/fgene.2022.834265 (cited by National Health Laboratory Service, Universitas Academic Hospital and University of the Free State); PubMed 22711857 (cited by Women's Health and Genetics/Laboratory Corporation of America, LabCorp); PubMed 21120943 (cited by Women's Health and Genetics/Laboratory Corporation of America, LabCorp); PubMed 25415225 (cited by Women's Health and Genetics/Laboratory Corporation of America, LabCorp).

NM_000059.4(BRCA2):c.5985C>T (p.Asn1995=)

Gene: BRCA2 (BRCA2 DNA repair associated; plus strand). Cytogenetic location: 13q13.1.
Variant type: single nucleotide variant.
Coding change: c.5985C>T on transcript NM_000059.4 (MANE Select); coding-DNA position 5985, C replaced by T.
Protein change: p.Asn1995=; no amino-acid change (asparagine 1995 retained).
Molecular consequence: synonymous variant.
Genome position (GRCh38, 1-based): chr13:32,340,340, C>T. VCF-style: chr13-32340340-C-T. GRCh37 (hg19) VCF-style: chr13-32914477-C-T.
Other names: NP_000050.3:p.Asn1995=.
Identifiers: ClinVar variation 184341 (VCV000184341.51), dbSNP rs374620036, ClinGen allele CA023453.